The following is an entry in ClinVar:

NM_020549.5(CHAT):c.2147T>C (p.Ile716Thr)

Gene: CHAT (choline O-acetyltransferase; plus strand). Cytogenetic location: 10q11.23.
Variant type: single nucleotide variant.
Coding change: c.2147T>C on transcript NM_020549.5 (MANE Select); coding-DNA position 2147, T replaced by C.
Protein change: p.Ile716Thr; replaces isoleucine 716 with threonine.
Molecular consequence: missense variant.
Genome position (GRCh38, 1-based): chr10:49,664,946, T>C. VCF-style: chr10-49664946-T-C. GRCh37 (hg19) VCF-style: chr10-50872992-T-C.
Other names: c.1793T>C, p.Ile598Thr (NM_001142929.2, NM_001142934.2, NM_020984.4 and 2 more transcripts); c.1901T>C, p.Ile634Thr (NM_001142933.2); short protein forms I598T, I634T, I716T.
Identifiers: ClinVar variation 1011704 (VCV001011704.6), dbSNP rs1419018923, ClinGen allele CA376714438.

ClinVar aggregate classification (germline): Uncertain significance (1 of 4 stars; one submission).

Conditions:
Familial infantile myasthenia (CMS6). Also called: MYASTHENIC SYNDROME, CONGENITAL, 6, PRESYNAPTIC; MYASTHENIC SYNDROME, PRESYNAPTIC, CONGENITAL, ASSOCIATED WITH EPISODIC APNEA; Congenital myasthenic syndrome type 6. Identifiers: Orphanet 590, MedGen C0393929, MONDO:0009689, OMIM 254210.

Allele frequency attached by ClinVar (database versions not stated): gnomAD 0.00001; gnomAD exomes 0.00001 and 0.00002.
gnomAD v4.1: 31 of 1,614,126 alleles (0.0019%); highest among the groups gnomAD compares: Non-Finnish European, 0.0024%; no homozygotes.

Submission:

Labcorp Genetics (formerly Invitae), Labcorp
Classification: Uncertain significance for Familial infantile myasthenia. Last evaluated: 2021-09-01. Review status: criteria provided, single submitter. Criteria: Invitae Variant Classification Sherloc (09022015). Collection method: clinical testing. Allele origin: germline.
Comment: This sequence change replaces isoleucine with threonine at codon 716 of the CHAT protein (p.Ile716Thr). The isoleucine residue is weakly conserved and there is a moderate physicochemical difference between isoleucine and threonine. This variant is not present in population databases (ExAC no frequency). This variant has not been reported in the literature in individuals affected with CHAT-related conditions. Algorithms developed to predict the effect of missense changes on protein structure and function output the following: SIFT: "Tolerated"; PolyPhen-2: "Benign"; Align-GVGD: "Class C0". The threonine amino acid residue is found in multiple mammalian species, which suggests that this missense change does not adversely affect protein function. In summary, the available evidence is currently insufficient to determine the role of this variant in disease. Therefore, it has been classified as a Variant of Uncertain Significance.